The following is an entry in ClinVar:

ClinVar aggregate classification (germline): Uncertain significance. Review status: criteria provided, single submitter (1 of 4 stars). 2 submissions from 2 submitters: Uncertain significance (1). 1 of the submissions does not count toward it. Last evaluated 2025-11-09.

Conditions:
Familial long QT syndrome (RWS). Also called: Congenital long QT syndrome; Romano-Ward syndrome; VENTRICULAR FIBRILLATION WITH PROLONGED QT INTERVAL. Identifiers: Orphanet 768, MedGen C1141890, MONDO:0019171.
Long QT syndrome 6 (LQT6). Identifiers: Orphanet 101016, Orphanet 768, MedGen C3150953, MONDO:0013370, OMIM 613693.

gnomAD v4.1: 12 of 1,613,934 alleles (0.00074%); highest among the groups gnomAD compares: African/African-American, 0.0027%; no homozygotes.

Submissions (2):

Labcorp Genetics (formerly Invitae), Labcorp
Classification: Uncertain significance for Long QT syndrome 6. Last evaluated: 2025-11-09. Review status: criteria provided, single submitter. Criteria: Invitae Variant Classification Sherloc (09022015). Collection method: clinical testing. Allele origin: germline.
Comment: This sequence change replaces valine, which is neutral and non-polar, with methionine, which is neutral and non-polar, at codon 65 of the KCNE2 protein (p.Val65Met). This variant is present in population databases (rs199473364, gnomAD 0.006%). This missense change has been observed in individual(s) with clinical features of long QT syndrome (PMID: 12185453, 24606995, 28794082). ClinVar contains an entry for this variant (Variation ID: 67611). An algorithm developed to predict the effect of missense changes on protein structure and function (PolyPhen-2) suggests that this variant is likely to be disruptive. Experimental studies have shown that this missense change affects KCNE2 function (PMID: 12185453). In summary, the available evidence is currently insufficient to determine the role of this variant in disease. Therefore, it has been classified as a Variant of Uncertain Significance.

Cardiovascular Biomedical Research Unit, Royal Brompton & Harefield NHS Foundation Trust
No classification provided. Condition: Familial long QT syndrome. Review status: no classification provided. Collection method: literature only. Allele origin: germline. Not counted in ClinVar's aggregate classification.
Comment: This variant has been reported as associated with Long QT syndrome in the following publications (PMID:12185453). This is a literature report, and does not necessarily reflect the clinical interpretation of the Imperial College / Royal Brompton Cardiovascular Genetics laboratory.

Literature cited by the submitters: PubMed 12185453 (cited by Labcorp Genetics (formerly Invitae), Labcorp and Cardiovascular Biomedical Research Unit, Royal Brompton & Harefield NHS Foundation Trust); PubMed 24606995 (cited by Labcorp Genetics (formerly Invitae), Labcorp); PubMed 28794082 (cited by Labcorp Genetics (formerly Invitae), Labcorp); PubMed 22581653 (cited by Cardiovascular Biomedical Research Unit, Royal Brompton & Harefield NHS Foundation Trust).

NM_172201.2(KCNE2):c.193G>A (p.Val65Met)

Genes: KCNE2 (potassium voltage-gated channel subfamily E regulatory subunit 2; plus strand), LOC105372791 (uncharacterized LOC105372791; minus strand). Cytogenetic location: 21q22.11.
Variant type: single nucleotide variant.
Coding change: c.193G>A on transcript NM_172201.2 (MANE Select); coding-DNA position 193, G replaced by A.
Protein change: p.Val65Met; replaces valine 65 with methionine.
Molecular consequence: missense variant.
Genome position (GRCh38, 1-based): chr21:34,370,671, G>A. VCF-style: chr21-34370671-G-A. GRCh37 (hg19) VCF-style: chr21-35742970-G-A.
Other names: c.193G>A (LRG_291t1); short protein forms V65M.
Identifiers: ClinVar variation 67611 (VCV000067611.11), dbSNP rs199473364, ClinGen allele CA329748.